The following is an entry in ClinVar:

ClinVar aggregate classification (germline): Uncertain significance (1 of 4 stars; one submission).

Conditions:
Leukodystrophy, hypomyelinating, 16. Identifiers: MedGen C4693779, MONDO:0054791, OMIM 617964.

Allele frequency attached by ClinVar (database versions not stated): gnomAD exomes below 0.00001.
gnomAD v4.1: 3 of 1,613,266 alleles (0.00019%); highest among the groups gnomAD compares: Non-Finnish European, 0.00025%; no homozygotes.

Submission:

Victorian Clinical Genetics Services, Murdoch Childrens Research Institute
Classification: Uncertain significance for Leukodystrophy, hypomyelinating, 16. Last evaluated: 2020-05-21. Review status: criteria provided, single submitter. Criteria: ACMG Guidelines, 2015. Collection method: clinical testing. Allele origin: germline. Inheritance: Autosomal dominant inheritance. Affected: yes.
Comment: Based on the classification scheme VCGS_Germline_v1.1.1, this variant is classified as 3B-VUS. Following criteria are met: 0101 - Gain-of-function is a suspected mechanism of disease for this gene. (N) 0107 - This gene is known to be associated with autosomal dominant disease. (N) 0200 - Variant is predicted to result in a missense amino acid change from valine to isoleucine (exon 5). (N) 0251 - Variant is heterozygous. (N) 0301 - Variant is absent from gnomAD. (P) 0502 - Missense variant with conflicting in silico predictions and/or uninformative conservation. (N) 0604 - Variant is not located in an established domain, motif, hotspot or informative constraint region. (N) 0705 - No comparable variants have previous evidence for pathogenicity. (N) 0807 - Variant has not previously been reported in a clinical context. (N) 0905 - No segregation evidence has been identified for this variant. (N) 1007 - No published functional evidence has been identified for this variant. (N) 1208 - Inheritance information for this variant is not currently available. (N) Legend: (P) - Pathogenic, (N) - Neutral, (B) - Benign

NM_001134232.2(TMEM106B):c.523G>A (p.Val175Ile)

Gene: TMEM106B (transmembrane protein 106B; plus strand). Cytogenetic location: 7p21.3.
Variant type: single nucleotide variant.
Coding change: c.523G>A on transcript NM_001134232.2 (MANE Select); coding-DNA position 523, G replaced by A.
Protein change: p.Val175Ile; replaces valine 175 with isoleucine.
Molecular consequence: missense variant.
Genome position (GRCh38, 1-based): chr7:12,229,760, G>A. VCF-style: chr7-12229760-G-A. GRCh37 (hg19) VCF-style: chr7-12269386-G-A.
Other names: c.523G>A, p.Val175Ile (NM_018374.4); short protein forms V175I.
Identifiers: ClinVar variation 1806032 (VCV001806032.1), dbSNP rs2534923547, ClinGen allele CA366857125.